The following is an entry in ClinVar:

NM_058179.4(PSAT1):c.1103A>G (p.His368Arg)

Gene: PSAT1 (phosphoserine aminotransferase 1; plus strand). Cytogenetic location: 9q21.2.
Variant type: single nucleotide variant.
Coding change: c.1103A>G on transcript NM_058179.4 (MANE Select); coding-DNA position 1103, A replaced by G.
Protein change: p.His368Arg; replaces histidine 368 with arginine.
Molecular consequence: missense variant.
Genome position (GRCh38, 1-based): chr9:78,329,076, A>G. VCF-style: chr9-78329076-A-G. GRCh37 (hg19) VCF-style: chr9-80943992-A-G.
Other names: c.965A>G, p.His322Arg (NM_021154.5); short protein forms H322R, H368R.
Identifiers: ClinVar variation 976914 (VCV000976914.7), dbSNP rs781632079, ClinGen allele CA5095814.

ClinVar aggregate classification (germline): Uncertain significance. Review status: criteria provided, single submitter (1 of 4 stars). 2 submissions from 2 submitters: Uncertain significance (1). 1 of the submissions does not count toward it. Last evaluated 2025-12-15.

Conditions:
Neu-Laxova syndrome 2. Identifiers: Orphanet 2671, Orphanet 583602, MedGen C4015019, MONDO:0014466, OMIM 616038.

Allele frequency attached by ClinVar (database versions not stated): gnomAD 0.00001; gnomAD exomes 0.00001; TOPMed 0.00001; ExAC 0.00002.
gnomAD v4.1: 12 of 1,608,656 alleles (0.00075%); highest among the groups gnomAD compares: African/African-American, 0.0013%; no homozygotes.

Submissions (2):

Labcorp Genetics (formerly Invitae), Labcorp
Classification: Uncertain significance for Neu-Laxova syndrome 2. Last evaluated: 2025-12-15. Review status: criteria provided, single submitter. Criteria: Invitae Variant Classification Sherloc (09022015). Collection method: clinical testing. Allele origin: germline.
Comment: This sequence change replaces histidine, which is basic and polar, with arginine, which is basic and polar, at codon 368 of the PSAT1 protein (p.His368Arg). This variant is present in population databases (rs781632079, gnomAD 0.004%). This variant has not been reported in the literature in individuals affected with PSAT1-related conditions. ClinVar contains an entry for this variant (Variation ID: 976914). An algorithm developed to predict the effect of missense changes on protein structure and function (PolyPhen-2) suggests that this variant is likely to be tolerated. Experimental studies have shown that this missense change affects PSAT1 function (PMID: 32077105). In summary, the available evidence is currently insufficient to determine the role of this variant in disease. Therefore, it has been classified as a Variant of Uncertain Significance.

Dudley Research Group, Pacific Northwest Research Institute
No classification provided. Review status: no classification provided. Collection method: research, in vivo. Allele origin: unknown, not applicable. Functional consequence: loss_of_function_variant. Not counted in ClinVar's aggregate classification.

Literature cited by the submitters: PubMed 32077105 (cited by Labcorp Genetics (formerly Invitae), Labcorp).